The following is an entry in ClinVar:

ClinVar aggregate classification (germline): Conflicting classifications of pathogenicity. Review status: criteria provided, conflicting classifications (1 of 4 stars). 3 submissions from 3 submitters: Uncertain significance (1); Likely benign (2). Last evaluated 2024-10-10.

Allele frequency attached by ClinVar (database versions not stated): ExAC 0.00004; TOPMed 0.00005; gnomAD exomes 0.00006; ESP Exome Variant Server 0.00008; gnomAD 0.00008.
gnomAD v4.1: 98 of 1,567,962 alleles (0.0063%); highest among the groups gnomAD compares: Non-Finnish European, 0.0082%; no homozygotes.

Submissions (3):

Blueprint Genetics
Classification: Likely benign. Last evaluated: 2024-10-10. Review status: criteria provided, single submitter. Criteria: ACMG Guidelines, 2015. Collection method: clinical testing. Allele origin: germline.

Labcorp Genetics (formerly Invitae), Labcorp
Classification: Uncertain significance. Last evaluated: 2023-12-22. Review status: criteria provided, single submitter. Criteria: Invitae Variant Classification Sherloc (09022015). Collection method: clinical testing. Allele origin: germline.
Comment: This sequence change affects codon 664 of the SRCAP mRNA. It is a 'silent' change, meaning that it does not change the encoded amino acid sequence of the SRCAP protein. It affects a nucleotide within the consensus splice site. The frequency data for this variant in the population databases is considered unreliable, as metrics indicate poor data quality at this position in the gnomAD database. This variant has not been reported in the literature in individuals affected with SRCAP-related conditions. ClinVar contains an entry for this variant (Variation ID: 2148929). Algorithms developed to predict the effect of sequence changes on RNA splicing suggest that this variant is not likely to affect RNA splicing. In summary, the available evidence is currently insufficient to determine the role of this variant in disease. Therefore, it has been classified as a Variant of Uncertain Significance.

CeGaT Center for Human Genetics Tuebingen
Classification: Likely benign. Last evaluated: 2023-09-01. Review status: criteria provided, single submitter. Criteria: CeGaT Center For Human Genetics Tuebingen Variant Classification Criteria Version 2. Collection method: clinical testing. Allele origin: germline. Affected: yes. Observed: 1 variant allele.
Comment: SRCAP: BP4, BP7

NM_006662.3(SRCAP):c.1992A>G (p.Lys664=)

Gene: SRCAP (Snf2 related CREBBP activator protein; plus strand). Cytogenetic location: 16p11.2.
Variant type: single nucleotide variant.
Coding change: c.1992A>G on transcript NM_006662.3 (MANE Select); coding-DNA position 1992, A replaced by G.
Protein change: p.Lys664=; no amino-acid change (lysine 664 retained).
Molecular consequence: synonymous variant.
Genome position (GRCh38, 1-based): chr16:30,712,438, A>G. VCF-style: chr16-30712438-A-G. GRCh37 (hg19) VCF-style: chr16-30723759-A-G.
Identifiers: ClinVar variation 2148929 (VCV002148929.28), dbSNP rs140349444, ClinGen allele CA8011101.